The following is an entry in ClinVar:

NM_001276345.2(TNNT2):c.719+5G>A

Gene: TNNT2 (troponin T2, cardiac type; minus strand). Cytogenetic location: 1q32.1.
Variant type: single nucleotide variant.
Coding change: c.719+5G>A on transcript NM_001276345.2 (MANE Select); 5 bases into the intron after coding-DNA position 719, G replaced by A.
Molecular consequence: intron variant.
Genome position (GRCh38, 1-based): chr1:201,361,908, C>T on the plus strand (G>A on the coding strand, the complement: TNNT2 is on the minus strand). VCF-style: chr1-201361908-C-T. GRCh37 (hg19) VCF-style: chr1-201331036-C-T.
Other names: c.671+5G>A (NM_001001432.3); c.680+5G>A (NM_001001431.3); c.689+5G>A (NM_001001430.3, NM_001276347.2); c.590+5G>A (NM_001276346.2); c.710+5G>A (NM_000364.4).
Identifiers: ClinVar variation 915732 (VCV000915732.4), dbSNP rs1658715625, ClinGen allele CA1139655538.
Genomic context (GRCh38, chr1:201,361,908, plus strand): 5'-CTTGGCCCGACCCCTCCCAGAGCAGATGCGGGCAGTGCCCCAGGACCATTCCTCCCAGCC[C>T]CCACCTCAGCTGATCTTCATTCAGGTGGTCAATGGCCAGCACCTTCCTCCTCTCAGCCAG-3'

ClinVar aggregate classification (germline): Uncertain significance. Review status: criteria provided, multiple submitters, no conflicts (2 of 4 stars). 2 submissions from 2 submitters: Uncertain significance (2). Last evaluated 2024-08-10.

Conditions:
Hypertrophic cardiomyopathy 2. Also called: TNNT2-Related Familial Hypertrophic Cardiomyopathy. Identifiers: MedGen C1861864, MONDO:0007266, OMIM 115195.
Cardiomyopathy, familial restrictive, 3. Identifiers: Orphanet 75249, MedGen C2676271, MONDO:0012900, OMIM 612422.
Dilated cardiomyopathy 1D. Identifiers: Orphanet 154, Orphanet 54260, MedGen C1832243, MONDO:0011095, OMIM 601494.
Cardiomyopathy (CMYO). Also called: Cardiomyopathies. Identifiers: Orphanet 167848, MedGen C0878544, MONDO:0004994, HP:0001638. Inheritance: Various modes of inheritance.

Submissions (2):

Labcorp Genetics (formerly Invitae), Labcorp
Classification: Uncertain significance for Cardiomyopathy, familial restrictive, 3; Hypertrophic cardiomyopathy 2; Dilated cardiomyopathy 1D. Last evaluated: 2024-08-10. Review status: criteria provided, single submitter. Criteria: Invitae Variant Classification Sherloc (09022015). Collection method: clinical testing. Allele origin: germline.
Comment: This sequence change falls in intron 13 of the TNNT2 gene. It does not directly change the encoded amino acid sequence of the TNNT2 protein. It affects a nucleotide within the consensus splice site. This variant is not present in population databases (gnomAD no frequency). This variant has not been reported in the literature in individuals affected with TNNT2-related conditions. ClinVar contains an entry for this variant (Variation ID: 915732). Variants that disrupt the consensus splice site are a relatively common cause of aberrant splicing (PMID: 17576681, 9536098). Algorithms developed to predict the effect of sequence changes on RNA splicing suggest that this variant may disrupt the consensus splice site. In summary, the available evidence is currently insufficient to determine the role of this variant in disease. Therefore, it has been classified as a Variant of Uncertain Significance.

CHEO Genetics Diagnostic Laboratory, Children's Hospital of Eastern Ontario
Classification: Uncertain significance for Cardiomyopathy. Last evaluated: 2018-07-17. Review status: criteria provided, single submitter. Criteria: ACMG Guidelines, 2015. Collection method: clinical testing. Allele origin: germline.

Literature cited by the submitters: PubMed 17576681 (cited by Labcorp Genetics (formerly Invitae), Labcorp); PubMed 9536098 (cited by Labcorp Genetics (formerly Invitae), Labcorp).